The following is an entry in ClinVar:

ClinVar aggregate classification (germline): Uncertain significance. Review status: criteria provided, single submitter (1 of 4 stars). 2 submissions from 2 submitters: Uncertain significance (1). 1 of the submissions does not count toward it. Last evaluated 2025-10-22.

Conditions:
SRP72-related disorder. Also called: SRP72-related condition.

Allele frequency attached by ClinVar (database versions not stated): gnomAD exomes below 0.00001 and 0.00001; ExAC 0.00001; gnomAD 0.00001; TOPMed 0.00001.
gnomAD v4.1: 8 of 1,613,146 alleles (0.0005%); highest among the groups gnomAD compares: Non-Finnish European, 0.00068%; no homozygotes.

Submissions (2):

Labcorp Genetics (formerly Invitae), Labcorp
Classification: Uncertain significance. Last evaluated: 2025-10-22. Review status: criteria provided, single submitter. Criteria: Invitae Variant Classification Sherloc (09022015). Collection method: clinical testing. Allele origin: germline.
Comment: This sequence change affects codon 476 of the SRP72 mRNA. It is a 'silent' change, meaning that it does not change the encoded amino acid sequence of the SRP72 protein. This variant is not present in population databases (gnomAD no frequency). This variant has not been reported in the literature in individuals affected with SRP72-related conditions. ClinVar contains an entry for this variant (Variation ID: 1368145). Algorithms developed to predict the effect of sequence changes on RNA splicing suggest that this variant may create or strengthen a splice site. In summary, the available evidence is currently insufficient to determine the role of this variant in disease. Therefore, it has been classified as a Variant of Uncertain Significance.

PreventionGenetics, part of Exact Sciences
Classification: Likely benign for SRP72-related condition. Last evaluated: 2023-12-04. Review status: no assertion criteria provided. Collection method: clinical testing. Allele origin: germline. Not counted in ClinVar's aggregate classification.
Comment: This variant is classified as likely benign based on ACMG/AMP sequence variant interpretation guidelines (Richards et al. 2015 PMID: 25741868, with internal and published modifications).

NM_006947.4(SRP72):c.1428A>G (p.Gln476=)

Gene: SRP72 (signal recognition particle 72; plus strand). Cytogenetic location: 4q12.
Variant type: single nucleotide variant.
Coding change: c.1428A>G on transcript NM_006947.4 (MANE Select); coding-DNA position 1428, A replaced by G.
Protein change: p.Gln476=; no amino-acid change (glutamine 476 retained).
Molecular consequence: synonymous variant. On other transcripts: non-coding transcript variant (1).
Genome position (GRCh38, 1-based): chr4:56,490,571, A>G. VCF-style: chr4-56490571-A-G. GRCh37 (hg19) VCF-style: chr4-57356737-A-G.
Other names: c.1245A>G, p.Gln415= (NM_001267722.2); c.1428A>G (NM_006947.3).
Identifiers: ClinVar variation 1368145 (VCV001368145.10), dbSNP rs755620294, ClinGen allele CA2931367.